The following is an entry in ClinVar:

ClinVar aggregate classification (germline): Uncertain significance (1 of 4 stars; one submission).

Conditions:
Hereditary cancer-predisposing syndrome. Also called: Hereditary neoplastic syndrome; Neoplastic Syndromes, Hereditary; Tumor predisposition; Hereditary Cancer Syndrome. Identifiers: Orphanet 140162, MedGen C0027672, MeSH D009386, MONDO:0015356.

Submission:

Ambry Genetics
Classification: Uncertain significance for Hereditary cancer-predisposing syndrome. Last evaluated: 2025-01-13. Review status: criteria provided, single submitter. Criteria: Ambry Variant Classification Scheme 2023. Collection method: clinical testing. Allele origin: germline.
Comment: The c.1162_1164dupCCC variant (also known as p.P388dup), located in coding exon 10 of the CHEK2 gene, results from an in-frame duplication of CCC at nucleotide positions 1162 to 1164. This results in the duplication of an extra proline residue between codons 388 and 389. This amino acid position is highly conserved in available vertebrate species. In addition, this alteration is predicted to be deleterious by in silico analysis (Choi Y et al. PLoS ONE. 2012; 7(10):e46688). Based on the available evidence, the clinical significance of this variant remains unclear.

NM_007194.4(CHEK2):c.1162_1164dup (p.Pro388_Thr389insPro)

Gene: CHEK2 (checkpoint kinase 2; minus strand). Cytogenetic location: 22q12.1.
Variant type: Duplication.
Coding change: c.1162_1164dup on transcript NM_007194.4 (MANE Select); coding-DNA positions 1162 to 1164, 3 bases duplicated (CCC; older notation c.1162_1164dupCCC).
Protein change: p.Pro388_Thr389insPro.
Molecular consequence: inframe insertion. On other transcripts: inframe indel (4).
Genome position (GRCh38, 1-based): chr22:28,695,805-28,695,807, GGG duplicated on the plus strand (CCC on the coding strand, the reverse complement: CHEK2 is on the minus strand); duplicating any 3 consecutive bases within chr22:28,695,805-28,695,809 gives the same sequence; the c. name uses the placement nearest the transcript's 3' end. VCF-style (leftmost placement, unchanged base first): chr22-28695804-T-TGGG. GRCh37 (hg19) VCF-style: chr22-29091792-T-TGGG.
Other names: c.1289_1291dup, p.Pro431_Thr432insPro (NM_001005735.3); c.497_499dup, p.Pro167_Thr168insPro (NM_001257387.3); c.959_961dup, p.Pro321_Thr322insPro (NM_001349956.3); c.1073_1075dup, p.Pro359_Thr360insPro (NM_145862.3).
Identifiers: ClinVar variation 3832928 (VCV003832928.1).